The following is an entry in ClinVar:

NM_032520.5(GNPTG):c.739A>T (p.Lys247Ter)

Gene: GNPTG (N-acetylglucosamine-1-phosphate transferase subunit gamma; plus strand). Cytogenetic location: 16p13.3.
Variant type: single nucleotide variant.
Coding change: c.739A>T on transcript NM_032520.5 (MANE Select); coding-DNA position 739, A replaced by T.
Protein change: p.Lys247Ter; replaces lysine 247 with a stop codon.
Molecular consequence: nonsense.
Genome position (GRCh38, 1-based): chr16:1,362,740, A>T. VCF-style: chr16-1362740-A-T. GRCh37 (hg19) VCF-style: chr16-1412741-A-T.
Other names: c.739A>T (NM_032520.4); short protein forms K247*.
Identifiers: ClinVar variation 1069744 (VCV001069744.7), dbSNP rs1451538466, ClinGen allele CA394188646.

ClinVar aggregate classification (germline): Pathogenic/Likely pathogenic. Review status: criteria provided, multiple submitters, no conflicts (2 of 4 stars). 3 submissions from 3 submitters: Pathogenic (2); Likely pathogenic (1). Last evaluated 2024-09-16.

Conditions:
GNPTG-mucolipidosis. Also called: ML III GAMMA; ML IIIC; Mucolipidosis type III gamma; MUCOLIPIDOSIS III, COMPLEMENTATION GROUP C; MUCOLIPIDOSIS III, IRANIAN VARIANT FORM; MUCOLIPIDOSIS III, VARIANT FORM. Identifiers: Orphanet 423470, Orphanet 577, MedGen C1854896, MONDO:0009652, OMIM 252605.

Allele frequency attached by ClinVar (database versions not stated): gnomAD exomes below 0.00001; TOPMed below 0.00001.

Submissions (3):

Natera, Inc.
Classification: Likely pathogenic for Mucolipidosis III gamma. Last evaluated: 2024-09-16. Review status: criteria provided, single submitter. Criteria: Natera Variant Classification Schema (03/2026). Collection method: clinical testing. Allele origin: germline.
Comment: The c.739A>T variant in GNPTG is a nonsense variant predicted to introduce a stop codon at amino acid 247. This variant is expected to result in nonsense mediated decay, truncation, or a dysfunctional protein product. This variant is rare in the general population with a frequency below the threshold expected for the associated phenotype(s). Given the available evidence, this variant is classified as Likely Pathogenic.

Women's Health and Genetics/Laboratory Corporation of America, LabCorp
Classification: Pathogenic for GNPTG-mucolipidosis. Last evaluated: 2024-08-20. Review status: criteria provided, single submitter. Criteria: LabCorp Variant Classification Summary - May 2015. Collection method: clinical testing. Allele origin: germline.
Comment: Variant summary: GNPTG c.739A>T (p.Lys247X) results in a premature termination codon, predicted to cause a truncation of the encoded protein or absence of the protein due to nonsense mediated decay, which are commonly known mechanisms for disease. Several computational tools predict a significant impact on normal splicing: Two predict the variant abolishes a 5' splicing donor site. Two predict the variant weakens a 5' donor site. Four predict the variant creates a 5' donor site. However, these predictions have yet to be confirmed by functional studies. The variant was absent in 251340 control chromosomes. To our knowledge, no occurrence of c.739A>T in individuals affected with Mucolipidosis III Gamma and no experimental evidence demonstrating its impact on protein function have been reported. ClinVar contains an entry for this variant (Variation ID: 1069744). Based on the evidence outlined above, the variant was classified as pathogenic.

Labcorp Genetics (formerly Invitae), Labcorp
Classification: Pathogenic. Last evaluated: 2020-01-15. Review status: criteria provided, single submitter. Criteria: Invitae Variant Classification Sherloc (09022015). Collection method: clinical testing. Allele origin: germline.
Comment: For these reasons, this variant has been classified as Pathogenic. Loss-of-function variants in GNPTG are known to be pathogenic (PMID: 19370764, 20301784). Algorithms developed to predict the effect of sequence changes on RNA splicing suggest that this variant may create or strengthen a splice site, but this prediction has not been confirmed by published transcriptional studies. This variant has not been reported in the literature in individuals with GNPTG-related conditions. This variant is not present in population databases (ExAC no frequency). This sequence change creates a premature translational stop signal (p.Lys247*) in the GNPTG gene. It is expected to result in an absent or disrupted protein product.

Literature cited by the submitters: PubMed 19370764 (cited by Labcorp Genetics (formerly Invitae), Labcorp); PubMed 20301784 (cited by Labcorp Genetics (formerly Invitae), Labcorp).